The following is an entry in ClinVar:

ClinVar aggregate classification (germline): Uncertain significance (1 of 4 stars; one submission).

Conditions:
Arrhythmogenic right ventricular dysplasia 13. Also called: Arrhythmogenic right ventricular dysplasia, familial, 13; ARRHYTHMOGENIC RIGHT VENTRICULAR CARDIOMYOPATHY 13. Identifiers: MedGen C3810138, MONDO:0000908, OMIM 615616.

Submission:

Labcorp Genetics (formerly Invitae), Labcorp
Classification: Uncertain significance for Arrhythmogenic right ventricular dysplasia 13. Last evaluated: 2025-10-08. Review status: criteria provided, single submitter. Criteria: Invitae Variant Classification Sherloc (09022015). Collection method: clinical testing. Allele origin: germline.
Comment: This sequence change creates a premature translational stop signal (p.Leu339Argfs*11) in the CTNNA3 gene. It is expected to result in an absent or disrupted protein product. However, the current clinical and genetic evidence is not sufficient to establish whether loss-of-function variants in CTNNA3 cause disease. This variant is not present in population databases (gnomAD no frequency). This variant has not been reported in the literature in individuals affected with CTNNA3-related conditions. In summary, the available evidence is currently insufficient to determine the role of this variant in disease. Therefore, it has been classified as a Variant of Uncertain Significance.

NM_013266.4(CTNNA3):c.1009_1013dup (p.Leu339fs)

Gene: CTNNA3 (catenin alpha 3; minus strand). Cytogenetic location: 10q21.3.
Variant type: Duplication.
Coding change: c.1009_1013dup on transcript NM_013266.4 (MANE Select); coding-DNA positions 1009 to 1013, 5 bases duplicated (CAGGC; older notation c.1009_1013dupCAGGC).
Protein change: p.Leu339fs; shifts the reading frame from leucine 339.
Molecular consequence: frameshift variant.
Genome position (GRCh38, 1-based): chr10:67,180,351-67,180,355, GCCTG duplicated on the plus strand (CAGGC on the coding strand, the reverse complement: CTNNA3 is on the minus strand); duplicating any 5 consecutive bases within chr10:67,180,351-67,180,357 gives the same sequence; the c. name uses the placement nearest the transcript's 3' end. VCF-style (leftmost placement, unchanged base first): chr10-67180350-A-AGCCTG. GRCh37 (hg19) VCF-style: chr10-68940108-A-AGCCTG.
Other names: c.1009_1013dup, p.Leu339fs (NM_001127384.3); c.1045_1049dup, p.Leu351fs (NM_001291133.2); short protein forms L339fs, L351fs.
Identifiers: ClinVar variation 4728744 (VCV004728744.1).